The following is an entry in ClinVar:

ClinVar aggregate classification (germline): Uncertain significance (1 of 4 stars; one submission).

Submission:

CeGaT Center for Human Genetics Tuebingen
Classification: Uncertain significance. Last evaluated: 2024-03-01. Review status: criteria provided, single submitter. Criteria: CeGaT Center For Human Genetics Tuebingen Variant Classification Criteria Version 2. Collection method: clinical testing. Allele origin: germline. Affected: yes. Observed: 1 variant allele.
Comment: TNR: PM2

NM_003285.3(TNR):c.2720A>C (p.Asp907Ala)

Gene: TNR (tenascin R; minus strand). Cytogenetic location: 1q25.1.
Variant type: single nucleotide variant.
Coding change: c.2720A>C on transcript NM_003285.3 (MANE Select); coding-DNA position 2720, A replaced by C.
Protein change: p.Asp907Ala; replaces aspartic acid 907 with alanine.
Molecular consequence: missense variant.
Genome position (GRCh38, 1-based): chr1:175,362,797, T>G on the plus strand (A>C on the coding strand, the complement: TNR is on the minus strand). VCF-style: chr1-175362797-T-G. GRCh37 (hg19) VCF-style: chr1-175331933-T-G.
Other names: c.1721A>C, p.Asp574Ala (NM_001328635.2); short protein forms D574A, D907A.
Identifiers: ClinVar variation 3067656 (VCV003067656.21), dbSNP rs2526304059, ClinGen allele CA343798913.
Genomic context (GRCh38, chr1:175,362,797, plus strand): 5'-GTAGCTGGGTTCAGTCTGGTGATGGTGAATTCTGTCACAGTGTTGGGCACCACTGAGCTG[T>G]CTAGTCGTCCCACTGGAGAAGAGAAGAATCTACAGTTAAAATTCAGCAGCCCTTTCATCC-3'
Protein context (NP_003276.3, residues 897-917): SYRPTQVGRL[Asp907Ala]SSVVPNTVTE